The following is an entry in ClinVar:

ClinVar aggregate classification (germline): Uncertain significance (1 of 4 stars; one submission).

Conditions:
Hereditary cancer-predisposing syndrome. Also called: Neoplastic Syndromes, Hereditary; Tumor predisposition; Hereditary Cancer Syndrome; Hereditary neoplastic syndrome. Identifiers: Orphanet 140162, MedGen C0027672, MeSH D009386, MONDO:0015356.

Submission:

Ambry Genetics
Classification: Uncertain significance for Hereditary cancer-predisposing syndrome. Last evaluated: 2022-09-08. Review status: criteria provided, single submitter. Criteria: Ambry Variant Classification Scheme 2023. Collection method: clinical testing. Allele origin: germline.
Comment: The p.D1015G variant (also known as c.3044A>G), located in coding exon 25 of the POLE gene, results from an A to G substitution at nucleotide position 3044. The aspartic acid at codon 1015 is replaced by glycine, an amino acid with similar properties. This amino acid position is conserved. In addition, the in silico prediction for this alteration is inconclusive. Since supporting evidence is limited at this time, the clinical significance of this alteration remains unclear.

NM_006231.4(POLE):c.3044A>G (p.Asp1015Gly)

Gene: POLE (DNA polymerase epsilon, catalytic subunit; minus strand). Cytogenetic location: 12q24.33.
Variant type: single nucleotide variant.
Coding change: c.3044A>G on transcript NM_006231.4 (MANE Select); coding-DNA position 3044, A replaced by G.
Protein change: p.Asp1015Gly; replaces aspartic acid 1015 with glycine.
Molecular consequence: missense variant.
Genome position (GRCh38, 1-based): chr12:132,660,985, T>C on the plus strand (A>G on the coding strand, the complement: POLE is on the minus strand). VCF-style: chr12-132660985-T-C. GRCh37 (hg19) VCF-style: chr12-133237571-T-C.
Other names: short protein forms D1015G.
Identifiers: ClinVar variation 1799182 (VCV001799182.2), dbSNP rs1593775793, ClinGen allele CA387392199.